The following continues an entry in ClinVar:

NM_002693.3(POLG):c.911T>G (p.Leu304Arg)

Gene: POLG. ClinVar aggregate classification (germline): Pathogenic/Likely pathogenic. Pathogenic (16); Likely pathogenic (4).

Submissions 11 to 24 of 24:

Institute of Medical Genetics and Applied Genomics, University Hospital Tübingen
Classification: Pathogenic. Last evaluated: 2021-06-17. Review status: criteria provided, single submitter. Criteria: ACMG Guidelines, 2015. Collection method: clinical testing. Allele origin: germline. Inheritance: Autosomal recessive inheritance. Affected: yes.

GeneDx
Classification: Pathogenic. Last evaluated: 2020-06-10. Review status: criteria provided, single submitter. Criteria: GeneDx Variant Classification Process June 2021. Collection method: clinical testing. Allele origin: germline. Affected: yes.
Comment: In silico analysis supports that this missense variant has a deleterious effect on protein structure/function; This variant is associated with the following publications: (PMID: 24288107, 20601675, 16639411, 21880868, 16368709, 22006280, 11431686, 30634555, 31521625, 32161153, 31589614, 33469851)

Revvity Omics, Revvity
Classification: Pathogenic. Last evaluated: 2019-10-03. Review status: criteria provided, single submitter. Criteria: ACMG Guidelines, 2015. Collection method: clinical testing. Allele origin: germline.

Ambry Genetics
Classification: Pathogenic for Inborn genetic diseases. Last evaluated: 2019-02-15. Review status: criteria provided, single submitter. Criteria: Ambry exome assertion method (8-5-2015). Collection method: clinical testing. Allele origin: germline. Affected: yes. Observed: 1 variant allele.

Fulgent Genetics
Classification: Pathogenic for Progressive external ophthalmoplegia with mitochondrial DNA deletions, autosomal dominant 1; Progressive sclerosing poliodystrophy; Progressive external ophthalmoplegia with mitochondrial DNA deletions, autosomal recessive 1; Mitochondrial DNA depletion syndrome 1; Sensory ataxic neuropathy, dysarthria, and ophthalmoparesis; Mitochondrial DNA depletion syndrome 4b. Last evaluated: 2018-10-31. Review status: criteria provided, single submitter. Criteria: ACMG Guidelines, 2015. Collection method: clinical testing. Allele origin: unknown.

Wong Mito Lab, Molecular and Human Genetics, Baylor College of Medicine
Classification: Likely pathogenic for Progressive sclerosing poliodystrophy. Last evaluated: 2018-10-01. Review status: criteria provided, single submitter. Criteria: ACMG Guidelines, 2015. Collection method: clinical testing. Allele origin: germline.
Comment: The NM_002693.2:c.911T>G (NP_002684.1:p.Leu304Arg) [GRCH38: NC_000015.10:g.89329055A>C] variant in POLG gene is interpretated to be a Likely Pathogenic based on ACMG guidelines (PMID: 25741868). This variant has been reported in PMID:11431686 . This variant meets the following evidence codes reported in the ACMG-guideline. PM2:This variant is absent in key population databases. PM3:Detected in trans with a pathogenic variant for Mitochondrial DNA depletion syndrome 4A (Alpers type) which is a recessive disorder. PP1:This variant is co-segregated with Mitochondrial DNA depletion syndrome 4A (Alpers type) in multiple affected family members. PP2:This is a missense variant in POLG with a low rate of benign and high rate of pathogenic missense variations. PP3:Computational evidence/predictors indicate the variant has deleterious effect on POLG structure, function, or protein-protein interaction. PP4:Patient's phenotype or family history is highly specific for POLG. Based on the evidence criteria codes applied, the variant is suggested to be Likely Pathogenic.

Genomic Research Center, Shahid Beheshti University of Medical Sciences
Classification: Pathogenic for Progressive sclerosing poliodystrophy. Last evaluated: 2017-12-18. Review status: criteria provided, single submitter. Criteria: ACMG Guidelines, 2015. Collection method: clinical testing. Allele origin: inherited. Affected: yes.

Institute of Human Genetics Munich, TUM University Hospital
Classification: Pathogenic for Progressive external ophthalmoplegia with mitochondrial DNA deletions, autosomal recessive 1. Last evaluated: 2017-11-08. Review status: criteria provided, single submitter. Criteria: Classification criteria August 2017. Collection method: clinical testing. Allele origin: germline. Inheritance: Autosomal recessive inheritance. Affected: yes. Observed: 1 homozygote.

Center for Pediatric Genomic Medicine, Children's Mercy Hospital and Clinics
Classification: Likely pathogenic. Last evaluated: 2017-04-21. Review status: criteria provided, single submitter. Criteria: ACMG Guidelines, 2015. Collection method: clinical testing. Allele origin: germline.

CENTOGENE GmbH and LLC - Guiding Precision Medicine
Classification: Pathogenic for Progressive external ophthalmoplegia with mitochondrial DNA deletions, autosomal recessive 1. Review status: criteria provided, single submitter. Criteria: ACMG Guidelines, 2015. Collection method: clinical testing. Allele origin: germline. Affected: yes.

PreventionGenetics, part of Exact Sciences
Classification: Pathogenic for POLG-related condition. Last evaluated: 2024-03-15. Review status: no assertion criteria provided. Collection method: clinical testing. Allele origin: germline. Not counted in ClinVar's aggregate classification.
Comment: The POLG c.911T>G variant is predicted to result in the amino acid substitution p.Leu304Arg. This variant has been reported in the compound heterozygous or homozygous states in patients with a POLG-related disorder, such as Alpers-Huttenlocher syndrome, autosomal recessive progressive external ophthalmoplegia, or sensory ataxic neuropathy, dysarthria, and ophthalmoparesis (SANDO) (Spiegler et al. 2011. PubMed ID: 22006280; Szczepanowska et al. 2010. PubMed ID: 20601675). This variant is reported in 0.036% of alleles in individuals of South Asian descent in gnomAD. This variant is interpreted as pathogenic.

OMIM
Classification: Pathogenic for PROGRESSIVE EXTERNAL OPHTHALMOPLEGIA WITH MITOCHONDRIAL DNA DELETIONS, AUTOSOMAL RECESSIVE 1. Last evaluated: 2001-07-01. Review status: no assertion criteria provided. Collection method: literature only. Allele origin: germline. Not counted in ClinVar's aggregate classification.

Hong-Tao Li Lab, Institute of Brain Science and Brain-inspired Research, Shandong First Medical University & Shandong Academy of Medical Sciences China
Classification: Pathogenic for Progressive external ophthalmoplegia with mitochondrial DNA deletions, autosomal recessive 1. Review status: no assertion criteria provided. Collection method: research. Allele origin: germline. Inheritance: Autosomal recessive inheritance. Affected: yes. Observed: 1 variant allele, 1 homozygote. Not counted in ClinVar's aggregate classification.
Comment: Observed in affected individuals from a Pakistani neurodevelopmental-disorder research cohort of 263 individuals. Classification assigned using the ACMG/AMP framework. Population-frequency evidence: gnomAD AF 5.657e-05.

Next Generation Genetic Polyclinic
Classification: Pathogenic for Mitochondrial DNA depletion syndrome 4b. Review status: no assertion criteria provided. Collection method: clinical testing. Allele origin: inherited. Affected: yes. Not counted in ClinVar's aggregate classification.

Literature cited by the submitters: PubMed 22006280 (cited by Variantyx, Inc. and Labcorp Genetics (formerly Invitae), Labcorp); PubMed 30634555 (cited by Variantyx, Inc.); PubMed 31521625 (cited by Variantyx, Inc.); PubMed 32860008 (cited by Variantyx, Inc.); PubMed 36703500 (cited by Variantyx, Inc.); PubMed 38605122 (cited by Variantyx, Inc.); PubMed 21880868 (cited by 3 submitters); PubMed 11431686 (cited by 4 submitters); PubMed 16639411 (cited by Labcorp Genetics (formerly Invitae), Labcorp); PubMed 24288107 (cited by Labcorp Genetics (formerly Invitae), Labcorp); PubMed 20601675 (cited by Labcorp Genetics (formerly Invitae), Labcorp and Ambry Genetics); PubMed 26095671 (cited by Labcorp Genetics (formerly Invitae), Labcorp); PubMed 32567010 (cited by Institute of Medical Genetics and Genomics, Sir Ganga Ram Hospital); PubMed 16368709 (cited by Ambry Genetics); PubMed 18195149 (cited by Ambry Genetics).